The following is an entry in ClinVar:

NM_001163809.2(WDR81):c.4208G>A (p.Ser1403Asn)

Gene: WDR81 (WD repeat domain 81; plus strand). Cytogenetic location: 17p13.3.
Variant type: single nucleotide variant.
Coding change: c.4208G>A on transcript NM_001163809.2 (MANE Select); coding-DNA position 4208, G replaced by A.
Protein change: p.Ser1403Asn; replaces serine 1403 with asparagine.
Molecular consequence: missense variant.
Genome position (GRCh38, 1-based): chr17:1,732,375, G>A. VCF-style: chr17-1732375-G-A. GRCh37 (hg19) VCF-style: chr17-1635669-G-A.
Other names: p.Ser1403Asn; c.599G>A, p.Ser200Asn (NM_001163673.2); c.527G>A, p.Ser176Asn (NM_001163811.2); c.1055G>A, p.Ser352Asn (NM_152348.4); short protein forms S1403N, S176N, S200N, S352N.
Identifiers: ClinVar variation 1203734 (VCV001203734.39), dbSNP rs138488179, ClinGen allele CA8273489.
Genomic context (GRCh38, chr17:1,732,375, plus strand): 5'-CTGTTTCCAGGTTCCCAAGTGGGGCCCAGGCTCGGACCATCCTGTGTGTGAAAACCATCA[G>A]CCTCATCGCCCTCATCTGCCTGCGCATTGGACAGGAGATGGTCCAGCAGCACCTGAGCGA-3'
Protein context (NP_001157281.1, residues 1393-1413): ARTILCVKTI[Ser1403Asn]LIALICLRIG

ClinVar aggregate classification (germline): Conflicting classifications of pathogenicity. Review status: criteria provided, conflicting classifications (1 of 4 stars). 5 submissions from 5 submitters: Uncertain significance (3); Likely benign (2). Last evaluated 2025-11-21.

Allele frequency attached by ClinVar (database versions not stated): 1000 Genomes Project 30x 0.00016; 1000 Genomes Project 0.00020; ESP Exome Variant Server 0.00038; gnomAD 0.00066 and 0.00068; ExAC 0.00077; gnomAD exomes 0.00079 and 0.00122; TOPMed 0.00079.

Submissions (5):

Mayo Clinic Laboratories, Mayo Clinic
Classification: Likely benign. Last evaluated: 2025-11-21. Review status: criteria provided, single submitter. Criteria: ACMG Guidelines, 2015. Collection method: clinical testing. Allele origin: germline. Observed: 1 variant allele.
Comment: BS1, BP4

Blueprint Genetics
Classification: Likely benign. Last evaluated: 2024-11-18. Review status: criteria provided, single submitter. Criteria: ACMG Guidelines, 2015. Collection method: clinical testing. Allele origin: germline.

CeGaT Center for Human Genetics Tuebingen
Classification: Uncertain significance. Last evaluated: 2024-01-01. Review status: criteria provided, single submitter. Criteria: CeGaT Center For Human Genetics Tuebingen Variant Classification Criteria Version 2. Collection method: clinical testing. Allele origin: germline. Affected: yes. Observed: 2 variant alleles.

GeneDx
Classification: Uncertain significance. Last evaluated: 2021-03-16. Review status: criteria provided, single submitter. Criteria: GeneDx Variant Classification Process June 2021. Collection method: clinical testing. Allele origin: germline. Affected: yes.
Comment: In silico analysis, which includes protein predictors and evolutionary conservation, supports that this variant does not alter protein structure/function; Has not been previously published as pathogenic or benign to our knowledge

Breakthrough Genomics
Classification: Uncertain significance. Review status: criteria provided, single submitter. Criteria: ACMG Guidelines, 2015. Collection method: not provided. Allele origin: germline. Inheritance: Autosomal recessive inheritance. Affected: yes.